The following is an entry in ClinVar:

ClinVar aggregate classification (germline): Uncertain significance (1 of 4 stars; one submission).

Submission:

GeneDx
Classification: Uncertain significance. Last evaluated: 2025-07-03. Review status: criteria provided, single submitter. Criteria: GeneDx Variant Classification Process June 2021. Collection method: clinical testing. Allele origin: germline. Affected: yes.
Comment: Not observed at significant frequency in large population cohorts (gnomAD); Frameshift variant predicted to result in protein truncation or nonsense mediated decay in a gene or region of a gene for which loss of function is not a well-established mechanism of disease; Has not been previously published as pathogenic or benign to our knowledge

NM_001940.4(ATN1):c.959_960delinsA (p.Leu320fs)

Gene: ATN1 (atrophin 1; plus strand). Cytogenetic location: 12p13.31.
Variant type: Indel.
Coding change: c.959_960delinsA on transcript NM_001940.4 (MANE Select); coding-DNA positions 959 to 960, TG replaced by A.
Protein change: p.Leu320fs; shifts the reading frame from leucine 320.
Molecular consequence: frameshift variant.
Genome position (GRCh38, 1-based): chr12:6,936,226-6,936,227, TG replaced by A. VCF-style: chr12-6936226-TG-A. GRCh37 (hg19) VCF-style: chr12-7045389-TG-A.
Other names: c.959_960delinsA, p.Leu320fs (NM_001007026.2, NM_001424176.1, NM_001424177.1 and 1 more transcripts); c.956_957delinsA, p.Leu319fs (NM_001424179.1, NM_001424180.1); short protein forms L319fs, L320fs.
Identifiers: ClinVar variation 4685327 (VCV004685327.1).